The following is an entry in ClinVar:

NR_003051.3(RMRP):n.-12dup

Gene: RMRP (RNA component of mitochondrial RNA processing endoribonuclease; minus strand). Cytogenetic location: 9p13.3.
Variant type: Duplication.
Genome position: GRCh38 VCF-style: chr9-35658029-C-CT. GRCh37 (hg19) VCF-style: chr9-35658026-C-CT.
Identifiers: ClinVar variation 1515547 (VCV001515547.6), dbSNP rs1554651504, ClinGen allele CA863578827.

ClinVar aggregate classification (germline): Uncertain significance. Review status: criteria provided, multiple submitters, no conflicts (2 of 4 stars). 2 submissions from 2 submitters: Uncertain significance (2). Last evaluated 2022-03-14.

Conditions:
Metaphyseal chondrodysplasia, McKusick type (CHH). Also called: Cartilage-hair hypoplasia; Cartilage-Hair Hypoplasia (CHH). Identifiers: Orphanet 175, MedGen C0220748, MONDO:0009595, OMIM 250250.
Metaphyseal dysplasia without hypotrichosis. Also called: CARTILAGE-HAIR HYPOPLASIA VARIANT, SKELETAL MANIFESTATIONS ONLY; CARTILAGE-HAIR HYPOPLASIA-LIKE SKELETAL DYSPLASIA WITHOUT HYPOTRICHOSIS OR IMMUNODEFICIENCY; Metaphyseal Dysplasia without Hypotrichosis (MDWH). Identifiers: MedGen C1834821, MONDO:0009601, OMIM 250460.
Anauxetic dysplasia 1 (ANXD1). Also called: Anauxetic Dysplasia (AD). Identifiers: Orphanet 93347, MedGen C4551965, MONDO:0054560, OMIM 607095.
Anauxetic dysplasia. Identifiers: Orphanet 93347, MedGen C1846796, MONDO:0011773.

Submissions (2):

Fulgent Genetics
Classification: Uncertain significance for Metaphyseal chondrodysplasia, McKusick type; Metaphyseal dysplasia without hypotrichosis; Anauxetic dysplasia 1. Last evaluated: 2022-03-14. Review status: criteria provided, single submitter. Criteria: ACMG Guidelines, 2015. Collection method: clinical testing. Allele origin: unknown.

Labcorp Genetics (formerly Invitae), Labcorp
Classification: Uncertain significance for Anauxetic dysplasia. Last evaluated: 2022-03-03. Review status: criteria provided, single submitter. Criteria: Invitae Variant Classification Sherloc (09022015). Collection method: clinical testing. Allele origin: germline.
Comment: This variant occurs in the RMRP gene, which encodes an RNA molecule that does not result in a protein product. This variant is not present in population databases (gnomAD no frequency). This variant has not been reported in the literature in individuals affected with RMRP-related conditions. Experimental studies and prediction algorithms are not available or were not evaluated, and the functional significance of this variant is currently unknown. In summary, the available evidence is currently insufficient to determine the role of this variant in disease. Therefore, it has been classified as a Variant of Uncertain Significance.